The following is an entry in ClinVar:

ClinVar aggregate classification (germline): Uncertain significance. Review status: criteria provided, multiple submitters, no conflicts (2 of 4 stars). 2 submissions from 2 submitters: Uncertain significance (2). Last evaluated 2025-01-23.

Conditions:
Fibrous dysplasia of jaw (CRBM). Also called: Cherubism. Identifiers: Orphanet 184, MedGen C0008029, MONDO:0007315, OMIM 118400.

Allele frequency attached by ClinVar (database versions not stated): gnomAD 0.00001; gnomAD exomes 0.00001 and 0.00002.
gnomAD v4.1: 15 of 1,612,038 alleles (0.00093%); highest among the groups gnomAD compares: African/African-American, 0.0027%; no homozygotes.

Submissions (2):

Labcorp Genetics (formerly Invitae), Labcorp
Classification: Uncertain significance for Fibrous dysplasia of jaw. Last evaluated: 2025-01-23. Review status: criteria provided, single submitter. Criteria: Invitae Variant Classification Sherloc (09022015). Collection method: clinical testing. Allele origin: germline.
Comment: This sequence change replaces serine, which is neutral and polar, with proline, which is neutral and non-polar, at codon 254 of the SH3BP2 protein (p.Ser254Pro). This variant is present in population databases (no rsID available, gnomAD 0.004%). This variant has not been reported in the literature in individuals affected with SH3BP2-related conditions. ClinVar contains an entry for this variant (Variation ID: 933744). Invitae Evidence Modeling of protein sequence and biophysical properties (such as structural, functional, and spatial information, amino acid conservation, physicochemical variation, residue mobility, and thermodynamic stability) indicates that this missense variant is not expected to disrupt SH3BP2 protein function with a negative predictive value of 95%. In summary, the available evidence is currently insufficient to determine the role of this variant in disease. Therefore, it has been classified as a Variant of Uncertain Significance.

Fulgent Genetics
Classification: Uncertain significance for Fibrous dysplasia of jaw. Last evaluated: 2021-10-18. Review status: criteria provided, single submitter. Criteria: ACMG Guidelines, 2015. Collection method: clinical testing. Allele origin: unknown.

NM_001122681.2(SH3BP2):c.760T>C (p.Ser254Pro)

Gene: SH3BP2 (SH3 domain binding protein 2; plus strand). Cytogenetic location: 4p16.3.
Variant type: single nucleotide variant.
Coding change: c.760T>C on transcript NM_001122681.2 (MANE Select); coding-DNA position 760, T replaced by C.
Protein change: p.Ser254Pro; replaces serine 254 with proline.
Molecular consequence: missense variant.
Genome position (GRCh38, 1-based): chr4:2,829,666, T>C. VCF-style: chr4-2829666-T-C. GRCh37 (hg19) VCF-style: chr4-2831393-T-C.
Other names: c.844T>C, p.Ser282Pro (NM_001145855.2); c.931T>C, p.Ser311Pro (NM_001145856.2); c.760T>C, p.Ser254Pro (NM_003023.4); short protein forms S282P, S254P, S311P.
Identifiers: ClinVar variation 933744 (VCV000933744.10), dbSNP rs1211847666, ClinGen allele CA356056071.